The following is an entry in ClinVar:

ClinVar aggregate classification (germline): Pathogenic (1 of 4 stars; one submission).

Conditions:
Ehlers-Danlos syndrome due to tenascin-X deficiency (EDSCLL1). Also called: TNXB-Related Classical-Like Ehlers-Danlos Syndrome; TNX DEFICIENCY; EHLERS-DANLOS SYNDROME, CLASSIC-LIKE; Ehlers-Danlos syndrome, classic-like, 1; EDS DUE TO TNX DEFICIENCY. Identifiers: Orphanet 230839, MedGen C1848029, MONDO:0011670, OMIM 606408.

Submission:

Women's Health and Genetics/Laboratory Corporation of America, LabCorp
Classification: Pathogenic for Ehlers-Danlos syndrome due to tenascin-X deficiency. Last evaluated: 2025-02-19. Review status: criteria provided, single submitter. Criteria: LabCorp Variant Classification Summary - May 2015. Collection method: clinical testing. Allele origin: germline.
Comment: Variant summary: TNXB c.2086dupG (p.Glu696GlyfsX18) results in a premature termination codon, predicted to cause a truncation of the encoded protein or absence of the protein due to nonsense mediated decay, which are commonly known mechanisms for disease. The variant was absent in 247390 control chromosomes. To our knowledge, no occurrence of c.2086dupG in individuals affected with Ehlers-Danlos syndrome due to tenascin-X deficiency and no experimental evidence demonstrating its impact on protein function have been reported. No submitters have cited clinical-significance assessments for this variant to ClinVar. Based on the evidence outlined above, the variant was classified as pathogenic.

NM_001365276.2(TNXB):c.2086dup (p.Glu696fs)

Gene: TNXB (tenascin XB; minus strand). Cytogenetic location: 6p21.33.
Variant type: Duplication.
Coding change: c.2086dup on transcript NM_001365276.2 (MANE Select); coding-DNA position 2086, one base duplicated (G; older notation c.2086dupG).
Protein change: p.Glu696fs; shifts the reading frame from glutamic acid 696.
Molecular consequence: frameshift variant.
Genome position (GRCh38, 1-based): chr6:32,095,767, C duplicated on the plus strand (G on the coding strand, the reverse complement: TNXB is on the minus strand); the first of 3 consecutive C bases (chr6:32,095,767-32,095,769); duplicating any one gives the same sequence. VCF-style (leftmost placement, unchanged base first): chr6-32095766-T-TC. GRCh37 (hg19) VCF-style: chr6-32063543-T-TC.
Other names: c.2086dup, p.Glu696fs (NM_001428335.1, NM_019105.8); c.2086dupG (NM_019105.8); short protein forms E696fs.
Identifiers: ClinVar variation 3768974 (VCV003768974.1).